The following is an entry in ClinVar:

ClinVar aggregate classification (germline): Likely benign (0 of 4 stars; one submission).

Conditions:
XYLT1-related disorder. Also called: XYLT1-related condition.

gnomAD v4.1: 9 of 1,147,912 alleles (0.00078%); highest among the groups gnomAD compares: Non-Finnish European, 0.00065%; no homozygotes.

Submission:

PreventionGenetics, part of Exact Sciences
Classification: Likely benign for XYLT1-related condition. Last evaluated: 2019-12-04. Review status: no assertion criteria provided. Collection method: clinical testing. Allele origin: germline.
Comment: This variant is classified as likely benign based on ACMG/AMP sequence variant interpretation guidelines (Richards et al. 2015 PMID: 25741868, with internal and published modifications).

NM_022166.4(XYLT1):c.69G>C (p.Thr23=)

Gene: XYLT1 (xylosyltransferase 1; minus strand). Cytogenetic location: 16p12.3.
Variant type: single nucleotide variant.
Coding change: c.69G>C on transcript NM_022166.4 (MANE Select); coding-DNA position 69, G replaced by C.
Protein change: p.Thr23=; no amino-acid change (threonine 23 retained).
Molecular consequence: synonymous variant.
Genome position (GRCh38, 1-based): chr16:17,470,728, C>G on the plus strand (G>C on the coding strand, the complement: XYLT1 is on the minus strand). VCF-style: chr16-17470728-C-G. GRCh37 (hg19) VCF-style: chr16-17564585-C-G.
Identifiers: ClinVar variation 3048285 (VCV003048285.2), dbSNP rs756943847, ClinGen allele CA7928293.